The following is an entry in ClinVar:

NM_005502.4(ABCA1):c.3516G>C (p.Glu1172Asp)

Gene: ABCA1 (ATP binding cassette subfamily A member 1; minus strand). Cytogenetic location: 9q31.1.
Variant type: single nucleotide variant.
Coding change: c.3516G>C on transcript NM_005502.4 (MANE Select); coding-DNA position 3516, G replaced by C.
Protein change: p.Glu1172Asp; replaces glutamic acid 1172 with aspartic acid.
Molecular consequence: missense variant.
Genome position (GRCh38, 1-based): chr9:104,817,351, C>G on the plus strand (G>C on the coding strand, the complement: ABCA1 is on the minus strand). VCF-style: chr9-104817351-C-G. GRCh37 (hg19) VCF-style: chr9-107579632-C-G.
Other names: short protein forms E1172D.
Identifiers: ClinVar variation 364416 (VCV000364416.22), dbSNP rs33918808, ClinGen allele CA5168417.

ClinVar aggregate classification (germline): Benign/Likely benign. Review status: criteria provided, multiple submitters, no conflicts (2 of 4 stars). 9 submissions from 8 submitters: Benign (7); Likely benign (1). 1 of the submissions does not count toward it. Last evaluated 2026-02-02.

Conditions:
Tangier disease (TGD). Also called: HIGH DENSITY LIPOPROTEIN DEFICIENCY, TANGIER TYPE; HIGH DENSITY LIPOPROTEIN DEFICIENCY, TYPE 1; Cholesterol thesaurismosis. Identifiers: Orphanet 31150, MedGen C0039292, MONDO:0008783, OMIM 205400.
ABCA1-related disorder. Also called: ABCA1-related disorders; ABCA1-related condition. Identifiers: MedGen CN239173.
Cardiovascular phenotype. Identifiers: MedGen CN230736.
Hypoalphalipoproteinemia, primary, 1. Identifiers: Orphanet 425, MedGen C5231558, MONDO:0011393, OMIM 604091.

Allele frequency attached by ClinVar (database versions not stated): 1000 Genomes Project 0.05671; 1000 Genomes Project 30x 0.05981; gnomAD 0.06925 and 0.07360; TOPMed 0.07350; ESP Exome Variant Server 0.07558.
gnomAD v4.1: 57,634 of 1,614,132 alleles (3.6%); highest among the groups gnomAD compares: African/African-American, 17%; 1,919 homozygotes.

Submissions (9):

Labcorp Genetics (formerly Invitae), Labcorp
Classification: Benign. Last evaluated: 2026-02-02. Review status: criteria provided, single submitter. Criteria: Invitae Variant Classification Sherloc (09022015). Collection method: clinical testing. Allele origin: germline.

Blueprint Genetics
Classification: Likely benign. Last evaluated: 2024-11-27. Review status: criteria provided, single submitter. Criteria: ACMG Guidelines, 2015. Collection method: clinical testing. Allele origin: germline.

Ambry Genetics
Classification: Benign for Cardiovascular phenotype. Last evaluated: 2019-04-30. Review status: criteria provided, single submitter. Criteria: Ambry Variant Classification Scheme 2023. Collection method: clinical testing. Allele origin: germline.

GeneDx
Classification: Benign. Last evaluated: 2018-10-01. Review status: criteria provided, single submitter. Criteria: GeneDx Variant Classification Process June 2021. Collection method: clinical testing. Allele origin: germline. Affected: yes.
Comment: This variant is associated with the following publications: (PMID: 11257261, 24503134, 20880529)

Mayo Clinic Laboratories, Mayo Clinic
Classification: Benign. Last evaluated: 2018-05-24. Review status: criteria provided, single submitter. Criteria: ACMG Guidelines, 2015. Collection method: clinical testing. Allele origin: germline. Observed: 107 variant alleles.

Illumina Laboratory Services, Illumina
Classification: Benign for Hypoalphalipoproteinemia, primary, 1. Last evaluated: 2017-04-27. Review status: criteria provided, single submitter. Criteria: ICSL Variant Classification Criteria 13 December 2019. Collection method: clinical testing. Allele origin: germline.
Comment: This variant was observed as part of a predisposition screen in an ostensibly healthy population. A literature search was performed for the gene, cDNA change, and amino acid change (where applicable). Publications were found based on this search. The evidence from the literature, in combination with allele frequency data from public databases where available, was sufficient to rule this variant out of causing disease. Therefore, this variant is classified as benign.

Illumina Laboratory Services, Illumina
Classification: Benign for Tangier disease. Last evaluated: 2017-04-27. Review status: criteria provided, single submitter. Criteria: ICSL Variant Classification Criteria 13 December 2019. Collection method: clinical testing. Allele origin: germline.
Comment: This variant was observed as part of a predisposition screen in an ostensibly healthy population. A literature search was performed for the gene, cDNA change, and amino acid change (where applicable). No publications were found based on this search. Allele frequency data from public databases was too high to be consistent with this variant causing disease. Therefore, this variant is classified as benign.

Breakthrough Genomics
Classification: Benign. Review status: criteria provided, single submitter. Criteria: ACMG Guidelines, 2015. Collection method: not provided. Allele origin: germline. Inheritance: Autosomal recessive inheritance. Affected: yes.

PreventionGenetics, part of Exact Sciences
Classification: Benign for ABCA1-related condition. Last evaluated: 2019-03-01. Review status: no assertion criteria provided. Collection method: clinical testing. Allele origin: germline. Not counted in ClinVar's aggregate classification.
Comment: This variant is classified as benign based on ACMG/AMP sequence variant interpretation guidelines (Richards et al. 2015 PMID: 25741868, with internal and published modifications).

Literature cited by the submitters: PubMed 11257261 (cited by Illumina Laboratory Services, Illumina).